The following is an entry in ClinVar:

ClinVar aggregate classification (germline): Uncertain significance (1 of 4 stars; one submission).

Conditions:
Perlman syndrome (PRLMNS). Identifiers: Orphanet 2849, MedGen C0796113, MONDO:0009965, OMIM 267000.

Allele frequency attached by ClinVar (database versions not stated): gnomAD exomes below 0.00001.
gnomAD v4.1: 1 of 1,613,918 alleles (0.000062%); highest among the groups gnomAD compares: Non-Finnish European, 0.000085%; no homozygotes.

Submission:

Labcorp Genetics (formerly Invitae), Labcorp
Classification: Uncertain significance for Perlman syndrome. Last evaluated: 2025-11-12. Review status: criteria provided, single submitter. Criteria: Invitae Variant Classification Sherloc (09022015). Collection method: clinical testing. Allele origin: germline.
Comment: This sequence change replaces leucine, which is neutral and non-polar, with proline, which is neutral and non-polar, at codon 300 of the DIS3L2 protein (p.Leu300Pro). This variant is not present in population databases (gnomAD no frequency). This variant has not been reported in the literature in individuals affected with DIS3L2-related conditions. ClinVar contains an entry for this variant (Variation ID: 2005060). Invitae Evidence Modeling of protein sequence and biophysical properties (such as structural, functional, and spatial information, amino acid conservation, physicochemical variation, residue mobility, and thermodynamic stability) indicates that this missense variant is expected to disrupt DIS3L2 protein function with a positive predictive value of 80%. In summary, the available evidence is currently insufficient to determine the role of this variant in disease. Therefore, it has been classified as a Variant of Uncertain Significance.

NM_152383.5(DIS3L2):c.899T>C (p.Leu300Pro)

Gene: DIS3L2 (DIS3 like 3'-5' exoribonuclease 2; plus strand). Cytogenetic location: 2q37.1.
Variant type: single nucleotide variant.
Coding change: c.899T>C on transcript NM_152383.5 (MANE Select); coding-DNA position 899, T replaced by C.
Protein change: p.Leu300Pro; replaces leucine 300 with proline.
Molecular consequence: missense variant. On other transcripts: non-coding transcript variant (1).
Genome position (GRCh38, 1-based): chr2:232,136,668, T>C. VCF-style: chr2-232136668-T-C. GRCh37 (hg19) VCF-style: chr2-233001378-T-C.
Other names: c.899T>C, p.Leu300Pro (NM_001257281.2); short protein forms L300P.
Identifiers: ClinVar variation 2005060 (VCV002005060.4), dbSNP rs2469848745, ClinGen allele CA351153832.